The following is an entry in ClinVar:

ClinVar aggregate classification (germline): Uncertain significance (1 of 4 stars; one submission).

Submission:

Genetic Services Laboratory, University of Chicago
Classification: Uncertain significance. Last evaluated: 2020-04-16. Review status: criteria provided, single submitter. Criteria: ACMG Guidelines, 2015. Collection method: clinical testing. Allele origin: germline. Affected: no.
Comment: DNA sequence analysis of the INSR gene demonstrated a single base pair deletion and insertion of 25 base pairs in exon 1, c.39delins25. This in-frame deletion-insertion results in the duplication of eight amino acid residues, p. (Pro13_Ala20dup). This sequence change does not appear to have been previously described in patients with INSR-related disorders and has also not been described in the population databases (gnomAD and ExAC). The functional significance of this sequence change is not known at present and its contribution to this patient's disease phenotype cannot definitively be determined.

NM_000208.4(INSR):c.39delinsCCTGCTGGTGGCGGTGGCCGCGCCC (p.Pro13_Ala20dup)

Gene: INSR (insulin receptor; minus strand). Cytogenetic location: 19p13.2.
Variant type: Indel.
Coding change: c.39delinsCCTGCTGGTGGCGGTGGCCGCGCCC on transcript NM_000208.4 (MANE Select); coding-DNA position 39, G replaced by CCTGCTGGTGGCGGTGGCCGCGCCC.
Protein change: p.Pro13_Ala20dup.
Molecular consequence: inframe insertion.
Genome position (GRCh38, 1-based): chr19:7,293,853, C replaced by GGGCGCGGCCACCGCCACCAGCAGG on the plus strand (G replaced by CCTGCTGGTGGCGGTGGCCGCGCCC on the coding strand, the reverse complement: INSR is on the minus strand). VCF-style: chr19-7293853-C-GGGCGCGGCCACCGCCACCAGCAGG. GRCh37 (hg19) VCF-style: chr19-7293864-C-GGGCGCGGCCACCGCCACCAGCAGG.
Other names: c.39delinsCCTGCTGGTGGCGGTGGCCGCGCCC, p.Pro13_Ala20dup (NM_001079817.3).
Identifiers: ClinVar variation 1338585 (VCV001338585.4), dbSNP rs2145264985, ClinGen allele CA2573054841.